The following is an entry in ClinVar:

NM_001267550.2(TTN):c.83984A>C (p.Asn27995Thr)

Genes: TTN-AS1 (TTN antisense RNA 1; plus strand), TTN (titin; minus strand). Cytogenetic location: 2q31.2.
Variant type: single nucleotide variant.
Coding change: c.83984A>C on transcript NM_001267550.2 (MANE Select); coding-DNA position 83984, A replaced by C.
Protein change: p.Asn27995Thr; replaces asparagine 27995 with threonine.
Molecular consequence: missense variant.
Genome position (GRCh38, 1-based): chr2:178,562,148, T>G on the plus strand (A>C on the coding strand, the complement: TTN is on the minus strand). VCF-style: chr2-178562148-T-G. GRCh37 (hg19) VCF-style: chr2-179426875-T-G.
Other names: c.79061A>C, p.Asn26354Thr (NM_001256850.1); c.56789A>C, p.Asn18930Thr (NM_003319.4); c.76280A>C, p.Asn25427Thr (NM_133378.4); c.57164A>C, p.Asn19055Thr (NM_133432.3); c.57365A>C, p.Asn19122Thr (NM_133437.4); short protein forms N19122T, N26354T, N19055T, N27995T, N18930T, N25427T.
Identifiers: ClinVar variation 1361115 (VCV001361115.7), dbSNP rs751728774, ClinGen allele CA1988851.

ClinVar aggregate classification (germline): Conflicting classifications of pathogenicity. Review status: criteria provided, conflicting classifications (1 of 4 stars). 2 submissions from 2 submitters: Uncertain significance (1); Likely benign (1). Last evaluated 2025-10-02.

Conditions:
Dilated cardiomyopathy 1G (CMD1G). Identifiers: Orphanet 154, MedGen C1858763, MONDO:0011400, OMIM 604145.
Autosomal recessive limb-girdle muscular dystrophy type 2J (LGMDR10). Also called: Limb-girdle muscular dystrophy, type 2J; MUSCULAR DYSTROPHY, LIMB-GIRDLE, AUTOSOMAL RECESSIVE 10. Identifiers: Orphanet 140922, MedGen C1837342, MONDO:0012127, OMIM 608807.
Cardiovascular phenotype. Identifiers: MedGen CN230736.

Allele frequency attached by ClinVar (database versions not stated): ExAC 0.00001; gnomAD 0.00001; gnomAD exomes 0.00001.
gnomAD v4.1: 8 of 1,613,134 alleles (0.0005%); highest among the groups gnomAD compares: Non-Finnish European, 0.00068%; no homozygotes.

Submissions (2):

Labcorp Genetics (formerly Invitae), Labcorp
Classification: Uncertain significance for Dilated cardiomyopathy 1G; Autosomal recessive limb-girdle muscular dystrophy type 2J. Last evaluated: 2025-10-02. Review status: criteria provided, single submitter. Criteria: Invitae Variant Classification Sherloc (09022015). Collection method: clinical testing. Allele origin: germline.
Comment: This sequence change replaces asparagine, which is neutral and polar, with threonine, which is neutral and polar, at codon 27995 of the TTN protein (p.Asn27995Thr). This variant is present in population databases (rs751728774, gnomAD 0.002%). This missense change has been observed in individual(s) with clinical features of dilated cardiomyopathy (internal data). ClinVar contains an entry for this variant (Variation ID: 1361115). An algorithm developed to predict the effect of missense changes on protein structure and function outputs the following: PolyPhen-2: "Not Available". The threonine amino acid residue is found in multiple mammalian species, which suggests that this missense change does not adversely affect protein function. This variant is located in the A band of TTN (PMID: 25589632). Variants in this region may be relevant for cardiac or neuromuscular disorders (PMID: 25589632, 23975875). In summary, the available evidence is currently insufficient to determine the role of this variant in disease. Therefore, it has been classified as a Variant of Uncertain Significance.

Ambry Genetics
Classification: Likely benign for Cardiovascular phenotype. Last evaluated: 2023-02-02. Review status: criteria provided, single submitter. Criteria: Ambry Variant Classification Scheme 2023. Collection method: clinical testing. Allele origin: germline.

Literature cited by the submitters: PubMed 25589632 (cited by Labcorp Genetics (formerly Invitae), Labcorp); PubMed 23975875 (cited by Labcorp Genetics (formerly Invitae), Labcorp).